The following is an entry in ClinVar:

ClinVar aggregate classification (germline): Conflicting classifications of pathogenicity. Review status: criteria provided, conflicting classifications (1 of 4 stars). 2 submissions from 2 submitters: Uncertain significance (1); Likely benign (1). Last evaluated 2023-03-23.

Conditions:
Hereditary breast ovarian cancer syndrome. Also called: Hereditary breast and ovarian cancer syndrome (HBOC); Hereditary breast and ovarian cancer; Hereditary breast and/or ovarian cancer syndrome; Hereditary breast and ovarian cancer syndrome; Breast and ovarian cancer; BRCA1- and BRCA2-Associated Hereditary Breast and Ovarian Cancer. Identifiers: Orphanet 145, MedGen C0677776, MeSH D061325, MONDO:0003582. Disease mechanism: loss of function.
Hereditary cancer-predisposing syndrome. Also called: Neoplastic Syndromes, Hereditary; Tumor predisposition; Hereditary neoplastic syndrome; Hereditary Cancer Syndrome. Identifiers: Orphanet 140162, MedGen C0027672, MeSH D009386, MONDO:0015356.

Submissions (2):

University of Washington Department of Laboratory Medicine, University of Washington
Classification: Likely benign for Hereditary cancer-predisposing syndrome. Last evaluated: 2023-03-23. Review status: criteria provided, single submitter. Criteria: Dines et al. (Genet Med. 2020). Collection method: curation. Allele origin: germline.
Comment: Missense variant in a coldspot region where missense variants are very unlikely to be pathogenic (PMID:31911673).

BRCA2 exon 11 coldspot. Reclassification based on statistical prior probability.

Labcorp Genetics (formerly Invitae), Labcorp
Classification: Uncertain significance for Hereditary breast ovarian cancer syndrome. Last evaluated: 2019-01-28. Review status: criteria provided, single submitter. Criteria: Invitae Variant Classification Sherloc (09022015). Collection method: clinical testing. Allele origin: germline.
Comment: In summary, the available evidence is currently insufficient to determine the role of this variant in disease. Therefore, it has been classified as a Variant of Uncertain Significance. Algorithms developed to predict the effect of missense changes on protein structure and function output the following: SIFT: "Tolerated"; PolyPhen-2: "Benign"; Align-GVGD: "Class C0". The arginine amino acid residue is found in multiple mammalian species, suggesting that this missense change does not adversely affect protein function. These predictions have not been confirmed by published functional studies and their clinical significance is uncertain. This variant has not been reported in the literature in individuals with BRCA2-related conditions. This variant is not present in population databases (ExAC no frequency). This sequence change replaces serine with arginine at codon 1722 of the BRCA2 protein (p.Ser1722Arg). The serine residue is weakly conserved and there is a moderate physicochemical difference between serine and arginine.

NM_000059.4(BRCA2):c.5164A>C (p.Ser1722Arg)

Gene: BRCA2 (BRCA2 DNA repair associated; plus strand). Cytogenetic location: 13q13.1.
Variant type: single nucleotide variant.
Coding change: c.5164A>C on transcript NM_000059.4 (MANE Select); coding-DNA position 5164, A replaced by C.
Protein change: p.Ser1722Arg; replaces serine 1722 with arginine.
Molecular consequence: missense variant.
Genome position (GRCh38, 1-based): chr13:32,339,519, A>C. VCF-style: chr13-32339519-A-C. GRCh37 (hg19) VCF-style: chr13-32913656-A-C.
Other names: short protein forms S1722R.
Identifiers: ClinVar variation 840819 (VCV000840819.11), dbSNP rs80358741, ClinGen allele CA387784249.